The following is an entry in ClinVar:

ClinVar aggregate classification (germline): Uncertain significance (1 of 4 stars; one submission).

Conditions:
Cardiovascular phenotype. Identifiers: MedGen CN230736.

gnomAD v4.1: 2 of 1,613,830 alleles (0.00012%); highest among the groups gnomAD compares: Non-Finnish European, 0.00017%; no homozygotes.

Submission:

Ambry Genetics
Classification: Uncertain significance for Cardiovascular phenotype. Last evaluated: 2023-08-29. Review status: criteria provided, single submitter. Criteria: Ambry Variant Classification Scheme 2023. Collection method: clinical testing. Allele origin: germline.
Comment: The c.5305+5G>T intronic variant results from a G to T substitution 5 nucleotides after coding exon 37 in the LAMA4 gene. This nucleotide position is well conserved in available vertebrate species. In silico splice site analysis predicts that this alteration will not have any significant effect on splicing. The evidence for this gene-disease relationship is limited; therefore, the clinical significance of this alteration is unclear.

NM_001105206.3(LAMA4):c.5326+5G>T

Gene: LAMA4 (laminin subunit alpha 4; minus strand). Cytogenetic location: 6q21.
Variant type: single nucleotide variant.
Coding change: c.5326+5G>T on transcript NM_001105206.3 (MANE Select); 5 bases into the intron after coding-DNA position 5326, G replaced by T.
Molecular consequence: intron variant.
Genome position (GRCh38, 1-based): chr6:112,114,071, C>A on the plus strand (G>T on the coding strand, the complement: LAMA4 is on the minus strand). VCF-style: chr6-112114071-C-A. GRCh37 (hg19) VCF-style: chr6-112435274-C-A.
Other names: c.5305+5G>T (NM_002290.5, NM_001105207.3).
Identifiers: ClinVar variation 2625047 (VCV002625047.2), dbSNP rs1554322330, ClinGen allele CA2582341709.